The following is an entry in ClinVar:

NM_001082486.2(ACD):c.1130G>T (p.Gly377Val)

Gene: ACD (ACD shelterin complex subunit and telomerase recruitment factor; minus strand). Cytogenetic location: 16q22.1.
Variant type: single nucleotide variant.
Coding change: c.1130G>T on transcript NM_001082486.2 (MANE Select); coding-DNA position 1130, G replaced by T.
Protein change: p.Gly377Val; replaces glycine 377 with valine.
Molecular consequence: missense variant.
Genome position (GRCh38, 1-based): chr16:67,658,062, C>A on the plus strand (G>T on the coding strand, the complement: ACD is on the minus strand). VCF-style: chr16-67658062-C-A. GRCh37 (hg19) VCF-style: chr16-67691965-C-A.
Other names: c.1121G>T, p.Gly374Val (NM_022914.3); short protein forms G374V, G377V.
Identifiers: ClinVar variation 1055132 (VCV001055132.9), dbSNP rs2142967624, ClinGen allele CA396351961.

ClinVar aggregate classification (germline): Uncertain significance (1 of 4 stars; one submission).

Conditions:
Dyskeratosis congenita, autosomal dominant 6 (DKCA6). Identifiers: Orphanet 3322, MedGen C4225284, MONDO:0014690, OMIM 616553.

Submission:

Labcorp Genetics (formerly Invitae), Labcorp
Classification: Uncertain significance for Dyskeratosis congenita, autosomal dominant 6. Last evaluated: 2020-07-15. Review status: criteria provided, single submitter. Criteria: Invitae Variant Classification Sherloc (09022015). Collection method: clinical testing. Allele origin: germline.
Comment: This sequence change replaces glycine with valine at codon 463 of the ACD protein (p.Gly463Val). The glycine residue is moderately conserved and there is a moderate physicochemical difference between glycine and valine. This variant is not present in population databases (ExAC no frequency). This variant has not been reported in the literature in individuals with ACD-related conditions. Algorithms developed to predict the effect of missense changes on protein structure and function are either unavailable or do not agree on the potential impact of this missense change (SIFT: "Tolerated"; PolyPhen-2: "Probably Damaging"; Align-GVGD: "Class C0"). In summary, the available evidence is currently insufficient to determine the role of this variant in disease. Therefore, it has been classified as a Variant of Uncertain Significance.